The following is an entry in ClinVar:

NM_000268.4(NF2):c.837A>C (p.Lys279Asn)

Gene: NF2 (NF2, moesin-ezrin-radixin like (MERLIN) tumor suppressor; plus strand). Cytogenetic location: 22q12.2.
Variant type: single nucleotide variant.
Coding change: c.837A>C on transcript NM_000268.4 (MANE Select); coding-DNA position 837, A replaced by C.
Protein change: p.Lys279Asn; replaces lysine 279 with asparagine.
Molecular consequence: missense variant. On other transcripts: non-coding transcript variant (1), intron variant (1).
Genome position (GRCh38, 1-based): chr22:29,665,016, A>C. VCF-style: chr22-29665016-A-C. GRCh37 (hg19) VCF-style: chr22-30061005-A-C.
Other names: c.723A>C, p.Lys241Asn (NM_001407053.1, NM_001407056.1); c.714A>C, p.Lys238Asn (NM_001407054.1, NM_001407058.1, NM_181829.3); c.711A>C, p.Lys237Asn (NM_001407055.1, NM_181828.3); c.702A>C, p.Lys234Asn (NM_001407057.1, NM_001407059.1); c.837A>C, p.Lys279Asn (NM_001407060.1, NM_001407066.1, NM_016418.5 and 2 more transcripts); c.579A>C, p.Lys193Asn (NM_001407062.1); c.588A>C, p.Lys196Asn (NM_001407063.1, NM_001407064.1, NM_181830.3 and 1 more transcripts); c.303A>C, p.Lys101Asn (NM_001407065.1); and 2 more; short protein forms K234N, K193N, K279N, K196N, K241N, K101N, K202N, K237N.
Identifiers: ClinVar variation 2882682 (VCV002882682.4), dbSNP rs2518623793, ClinGen allele CA411144582.

ClinVar aggregate classification (germline): Uncertain significance. Review status: criteria provided, multiple submitters, no conflicts (2 of 4 stars). 2 submissions from 2 submitters: Uncertain significance (2). Last evaluated 2024-10-28.

Conditions:
Hereditary cancer-predisposing syndrome. Also called: Tumor predisposition; Hereditary neoplastic syndrome; Hereditary Cancer Syndrome; Neoplastic Syndromes, Hereditary. Identifiers: Orphanet 140162, MedGen C0027672, MeSH D009386, MONDO:0015356.
Neurofibromatosis, type 2 (SWNV). Also called: BILATERAL ACOUSTIC NEUROFIBROMATOSIS; NF2-Related Schwannomatosis; SCHWANNOMATOSIS, VESTIBULAR. Identifiers: Orphanet 637, MedGen C0027832, MONDO:0007039, OMIM 101000. Disease mechanism: loss of function.

Allele frequency attached by ClinVar (database versions not stated): gnomAD exomes below 0.00001.
gnomAD v4.1: 1 of 1,613,764 alleles (0.000062%); highest among the groups gnomAD compares: Non-Finnish European, 0.000085%; no homozygotes.

Submissions (2):

Ambry Genetics
Classification: Uncertain significance for Hereditary cancer-predisposing syndrome. Last evaluated: 2024-10-28. Review status: criteria provided, single submitter. Criteria: Ambry Variant Classification Scheme 2023. Collection method: clinical testing. Allele origin: germline.
Comment: The p.K279N variant (also known as c.837A>C), located in coding exon 9 of the NF2 gene, results from an A to C substitution at nucleotide position 837. The lysine at codon 279 is replaced by asparagine, an amino acid with similar properties. This amino acid position is highly conserved in available vertebrate species. In addition, this alteration is predicted to be tolerated by in silico analysis. Based on the available evidence, the clinical significance of this variant remains unclear.

Labcorp Genetics (formerly Invitae), Labcorp
Classification: Uncertain significance for Neurofibromatosis, type 2. Last evaluated: 2023-06-09. Review status: criteria provided, single submitter. Criteria: Invitae Variant Classification Sherloc (09022015). Collection method: clinical testing. Allele origin: germline.
Comment: In summary, the available evidence is currently insufficient to determine the role of this variant in disease. Therefore, it has been classified as a Variant of Uncertain Significance. Advanced modeling of protein sequence and biophysical properties (such as structural, functional, and spatial information, amino acid conservation, physicochemical variation, residue mobility, and thermodynamic stability) performed at Invitae indicates that this missense variant is not expected to disrupt NF2 protein function. This variant has not been reported in the literature in individuals affected with NF2-related conditions. This variant is not present in population databases (gnomAD no frequency). This sequence change replaces lysine, which is basic and polar, with asparagine, which is neutral and polar, at codon 279 of the NF2 protein (p.Lys279Asn).